The following is an entry in ClinVar:

NM_003640.5(ELP1):c.3785C>T (p.Thr1262Met)

Gene: ELP1 (elongator acetyltransferase complex subunit 1; minus strand). Cytogenetic location: 9q31.3.
Variant type: single nucleotide variant.
Coding change: c.3785C>T on transcript NM_003640.5 (MANE Select); coding-DNA position 3785, C replaced by T.
Protein change: p.Thr1262Met; replaces threonine 1262 with methionine.
Molecular consequence: missense variant.
Genome position (GRCh38, 1-based): chr9:108,878,065, G>A on the plus strand (C>T on the coding strand, the complement: ELP1 is on the minus strand). VCF-style: chr9-108878065-G-A. GRCh37 (hg19) VCF-style: chr9-111640345-G-A.
Other names: c.3785C>T (LRG_251t1); c.3443C>T, p.Thr1148Met (NM_001318360.2); c.2738C>T, p.Thr913Met (NM_001330749.2); short protein forms T1262M, T1148M, T913M.
Identifiers: ClinVar variation 364554 (VCV000364554.19), dbSNP rs199723919, ClinGen allele CA5174187.
Genomic context (GRCh38, chr9:108,878,065, plus strand): 5'-GAATTCTGCTGGTAAGTAAGAGTCCAAATTTCTGGAAGTGACCTTTCCATCAACTGCAGC[G>A]TATCTTCAAAGGCCTTCTGTAATTCCCTTCCTTGTTCATCAAACTCAAAGAGAAAGAGTA-3'
Protein context (NP_003631.2, residues 1252-1272): GRELQKAFED[Thr1262Met]LQLMERSLPE

ClinVar aggregate classification (germline): Uncertain significance. Review status: criteria provided, multiple submitters, no conflicts (2 of 4 stars). 7 submissions from 7 submitters: Uncertain significance (6). 1 of the submissions does not count toward it. Last evaluated 2024-01-25.

Conditions:
Familial dysautonomia. Also called: HSAN III; FD. Identifiers: Orphanet 1764, MedGen C0013364, MONDO:0009131, OMIM 223900. Disease mechanism: loss of function.
Medulloblastoma (MDB). Also called: Medulloblastoma, somatic; MEDULLOBLASTOMA PREDISPOSITION SYNDROME. Identifiers: Orphanet 616, MedGen C0025149, MeSH D008527, MONDO:0007959, OMIM 155255, HP:0002885.

Allele frequency attached by ClinVar (database versions not stated): TOPMed 0.00001; ExAC 0.00005; gnomAD 0.00005.
gnomAD v4.1: 66 of 1,613,724 alleles (0.0041%); highest among the groups gnomAD compares: East Asian, 0.0089%; no homozygotes.

Submissions (7):

Fulgent Genetics
Classification: Uncertain significance for Medulloblastoma; Familial dysautonomia. Last evaluated: 2024-01-25. Review status: criteria provided, single submitter. Criteria: ACMG Guidelines, 2015. Collection method: clinical testing. Allele origin: germline.

Ambry Genetics
Classification: Uncertain significance. Last evaluated: 2022-11-22. Review status: criteria provided, single submitter. Criteria: Ambry Variant Classification Scheme 2023. Collection method: clinical testing. Allele origin: germline.

GeneDx
Classification: Uncertain significance. Last evaluated: 2022-08-12. Review status: criteria provided, single submitter. Criteria: GeneDx Variant Classification Process June 2021. Collection method: clinical testing. Allele origin: germline. Affected: yes.
Comment: In silico analysis supports that this missense variant does not alter protein structure/function; Has not been previously published as pathogenic or benign to our knowledge

Labcorp Genetics (formerly Invitae), Labcorp
Classification: Uncertain significance. Last evaluated: 2022-07-12. Review status: criteria provided, single submitter. Criteria: Invitae Variant Classification Sherloc (09022015). Collection method: clinical testing. Allele origin: germline.
Comment: This sequence change replaces threonine, which is neutral and polar, with methionine, which is neutral and non-polar, at codon 1262 of the ELP1 protein (p.Thr1262Met). This variant is present in population databases (rs199723919, gnomAD 0.03%). This variant has not been reported in the literature in individuals affected with ELP1-related conditions. ClinVar contains an entry for this variant (Variation ID: 364554). Algorithms developed to predict the effect of missense changes on protein structure and function output the following: SIFT: "Tolerated"; PolyPhen-2: "Benign"; Align-GVGD: "Class C0". The methionine amino acid residue is found in multiple mammalian species, which suggests that this missense change does not adversely affect protein function. In summary, the available evidence is currently insufficient to determine the role of this variant in disease. Therefore, it has been classified as a Variant of Uncertain Significance.

ARUP Laboratories, Molecular Genetics and Genomics, ARUP Laboratories
Classification: Uncertain significance. Last evaluated: 2018-05-14. Review status: criteria provided, single submitter. Criteria: ARUP Molecular Germline Variant Investigation Process. Collection method: clinical testing. Allele origin: germline.
Comment: The p.Thr1262Met variant (rs199723919) has not been reported in the medical literature, gene specific variation databases, nor has it been previously identified by our laboratory. This variant is listed in the Genome Aggregation Database (gnomAD) with a frequency of 0.03 percent in the European Finnish population (identified on 8 out of 25,790 chromosomes), and has been reported to the ClinVar database (Variation ID: 364554). The threonine at position 1262 is weakly conserved considering 13 species (Alamut v2.11) and computational analyses of the p.Thr1262Met variant on protein structure and function indicate a neutral effect (SIFT: tolerated, PolyPhen-2: benign). Altogether, there is not enough evidence to classify the p.Thr1262Met variant with certainty.

Illumina Laboratory Services, Illumina
Classification: Uncertain significance for Familial dysautonomia. Last evaluated: 2018-01-12. Review status: criteria provided, single submitter. Criteria: ICSL Variant Classification Criteria 13 December 2019. Collection method: clinical testing. Allele origin: germline.

Natera, Inc.
Classification: Uncertain significance for Hereditary sensory and autonomic neuropathy type III. Last evaluated: 2020-01-17. Review status: no assertion criteria provided. Collection method: clinical testing. Allele origin: germline. Not counted in ClinVar's aggregate classification.